The following is an entry in ClinVar:

NM_001379286.1(ZNF423):c.3455G>T (p.Arg1152Leu)

Gene: ZNF423 (zinc finger protein 423; minus strand). Cytogenetic location: 16q12.1.
Variant type: single nucleotide variant.
Coding change: c.3455G>T on transcript NM_001379286.1 (MANE Select); coding-DNA position 3455, G replaced by T.
Protein change: p.Arg1152Leu; replaces arginine 1152 with leucine.
Molecular consequence: missense variant.
Genome position (GRCh38, 1-based): chr16:49,635,721, C>A on the plus strand (G>T on the coding strand, the complement: ZNF423 is on the minus strand). VCF-style: chr16-49635721-C-A. GRCh37 (hg19) VCF-style: chr16-49669632-C-A.
Other names: c.3251G>T, p.Arg1084Leu (NM_001271620.2); c.3080G>T, p.Arg1027Leu (NM_001330533.2); c.3431G>T, p.Arg1144Leu (NM_015069.5); short protein forms R1084L, R1152L, R1027L, R1144L.
Identifiers: ClinVar variation 1389848 (VCV001389848.4), dbSNP rs375010326, ClinGen allele CA8046299.

ClinVar aggregate classification (germline): Uncertain significance. Review status: criteria provided, multiple submitters, no conflicts (2 of 4 stars). 2 submissions from 2 submitters: Uncertain significance (2). Last evaluated 2023-06-15.

Conditions:
Nephronophthisis 14 (NPHP14). Identifiers: Orphanet 2318, MedGen C3539071, MONDO:0013916, OMIM 614844.

gnomAD v4.1: 24 of 1,609,804 alleles (0.0015%); highest among the groups gnomAD compares: Admixed American, 0.0051%; no homozygotes.

Submissions (2):

Clinical Genetics Laboratory, Skane University Hospital Lund
Classification: Uncertain significance. Last evaluated: 2023-06-15. Review status: criteria provided, single submitter. Criteria: ACMG Guidelines, 2015. Collection method: clinical testing. Allele origin: germline. Affected: yes.

Labcorp Genetics (formerly Invitae), Labcorp
Classification: Uncertain significance for Nephronophthisis 14. Last evaluated: 2022-09-13. Review status: criteria provided, single submitter. Criteria: Invitae Variant Classification Sherloc (09022015). Collection method: clinical testing. Allele origin: germline.
Comment: This sequence change replaces arginine, which is basic and polar, with leucine, which is neutral and non-polar, at codon 1144 of the ZNF423 protein (p.Arg1144Leu). This variant is present in population databases (rs375010326, gnomAD 0.009%). This variant has not been reported in the literature in individuals affected with ZNF423-related conditions. ClinVar contains an entry for this variant (Variation ID: 1389848). Advanced modeling of protein sequence and biophysical properties (such as structural, functional, and spatial information, amino acid conservation, physicochemical variation, residue mobility, and thermodynamic stability) performed at Invitae indicates that this missense variant is not expected to disrupt ZNF423 protein function. In summary, the available evidence is currently insufficient to determine the role of this variant in disease. Therefore, it has been classified as a Variant of Uncertain Significance.